The following is an entry in ClinVar:

NM_145046.5(CALR3):c.200A>G (p.Gln67Arg)

Gene: CALR3 (calreticulin 3; minus strand). Cytogenetic location: 19p13.11.
Variant type: single nucleotide variant.
Coding change: c.200A>G on transcript NM_145046.5 (MANE Select); coding-DNA position 200, A replaced by G.
Protein change: p.Gln67Arg; replaces glutamine 67 with arginine.
Molecular consequence: missense variant.
Genome position (GRCh38, 1-based): chr19:16,490,564, T>C on the plus strand (A>G on the coding strand, the complement: CALR3 is on the minus strand). VCF-style: chr19-16490564-T-C. GRCh37 (hg19) VCF-style: chr19-16601375-T-C.
Other names: short protein forms Q67R.
Identifiers: ClinVar variation 4707520 (VCV004707520.1).

ClinVar aggregate classification (germline): Uncertain significance (1 of 4 stars; one submission).

Conditions:
Hypertrophic cardiomyopathy 19. Also called: Familial hypertrophic cardiomyopathy 19. Identifiers: MedGen CN077603, MONDO:0013476.

Submission:

Labcorp Genetics (formerly Invitae), Labcorp
Classification: Uncertain significance for Hypertrophic cardiomyopathy 19. Last evaluated: 2025-06-08. Review status: criteria provided, single submitter. Criteria: Invitae Variant Classification Sherloc (09022015). Collection method: clinical testing. Allele origin: germline.
Comment: This sequence change replaces glutamine, which is neutral and polar, with arginine, which is basic and polar, at codon 67 of the CALR3 protein (p.Gln67Arg). This variant is not present in population databases (gnomAD no frequency). This variant has not been reported in the literature in individuals affected with CALR3-related conditions. Invitae Evidence Modeling of protein sequence and biophysical properties (such as structural, functional, and spatial information, amino acid conservation, physicochemical variation, residue mobility, and thermodynamic stability) indicates that this missense variant is not expected to disrupt CALR3 protein function with a negative predictive value of 80%. In summary, the available evidence is currently insufficient to determine the role of this variant in disease. Therefore, it has been classified as a Variant of Uncertain Significance.